The following is an entry in ClinVar:

ClinVar aggregate classification (germline): Uncertain significance. Review status: criteria provided, multiple submitters, no conflicts (2 of 4 stars). 2 submissions from 2 submitters: Uncertain significance (2). Last evaluated 2022-08-16.

Conditions:
Ciliary dyskinesia, primary, 40. Also called: CILIARY DYSKINESIA, PRIMARY, 40, WITH OR WITHOUT SITUS INVERSUS. Identifiers: MedGen C4749028, MONDO:0032664, OMIM 618300.

Allele frequency attached by ClinVar (database versions not stated): gnomAD exomes 0.00006 and 0.00014; gnomAD 0.00007 and 0.00008; ExAC 0.00008; 1000 Genomes Project 30x 0.00016; 1000 Genomes Project 0.00020.
gnomAD v4.1: 92 of 1,614,104 alleles (0.0057%); highest among the groups gnomAD compares: East Asian, 0.02%; no homozygotes.

Submissions (2):

Labcorp Genetics (formerly Invitae), Labcorp
Classification: Uncertain significance. Last evaluated: 2022-08-16. Review status: criteria provided, single submitter. Criteria: Invitae Variant Classification Sherloc (09022015). Collection method: clinical testing. Allele origin: germline.
Comment: This sequence change replaces arginine, which is basic and polar, with cysteine, which is neutral and slightly polar, at codon 2965 of the DNAH9 protein (p.Arg2965Cys). This variant is present in population databases (rs193137604, gnomAD 0.09%). This variant has not been reported in the literature in individuals affected with DNAH9-related conditions. ClinVar contains an entry for this variant (Variation ID: 1436443). Algorithms developed to predict the effect of missense changes on protein structure and function are either unavailable or do not agree on the potential impact of this missense change (SIFT: "Deleterious"; PolyPhen-2: "Possibly Damaging"; Align-GVGD: "Class C0"). In summary, the available evidence is currently insufficient to determine the role of this variant in disease. Therefore, it has been classified as a Variant of Uncertain Significance.

3billion
Classification: Uncertain significance for Ciliary dyskinesia, primary, 40. Last evaluated: 2022-03-22. Review status: criteria provided, single submitter. Criteria: ACMG Guidelines, 2015. Collection method: clinical testing. Allele origin: germline. Affected: yes. Observed: 1 heterozygote.
Comment: The variant is observed at an extremely low frequency in the gnomAD v2.1.1 dataset (total allele frequency: 0.0001507). Different pathogenic/likely pathogenic amino acid change has been reported with supporting evidence at the same codon (PMID:30471717). Therefore, this variant is classified as uncertain significance according to the recommendation of ACMG/AMP guideline.

Literature cited by the submitters: PubMed 30471717 (cited by 3billion).

NM_001372.4(DNAH9):c.8893C>T (p.Arg2965Cys)

Gene: DNAH9 (dynein axonemal heavy chain 9; plus strand). Cytogenetic location: 17p12.
Variant type: single nucleotide variant.
Coding change: c.8893C>T on transcript NM_001372.4 (MANE Select); coding-DNA position 8893, C replaced by T.
Protein change: p.Arg2965Cys; replaces arginine 2965 with cysteine.
Molecular consequence: missense variant.
Genome position (GRCh38, 1-based): chr17:11,822,480, C>T. VCF-style: chr17-11822480-C-T. GRCh37 (hg19) VCF-style: chr17-11725797-C-T.
Other names: short protein forms R2965C.
Identifiers: ClinVar variation 1436443 (VCV001436443.4), dbSNP rs193137604, ClinGen allele CA8397080.